The following is an entry in ClinVar:

ClinVar aggregate classification (germline): Uncertain significance (1 of 4 stars; one submission).

Conditions:
Inborn genetic diseases. Identifiers: MedGen C0950123, MeSH D030342.

Submission:

Ambry Genetics
Classification: Uncertain significance for Inborn genetic diseases. Last evaluated: 2025-10-22. Review status: criteria provided, single submitter. Criteria: Ambry Variant Classification Scheme 2023. Collection method: clinical testing. Allele origin: germline.
Comment: The p.Q1024R variant (also known as c.3071A>G), located in coding exon 30 of the RTEL1 gene, results from an A to G substitution at nucleotide position 3071. The glutamine at codon 1024 is replaced by arginine, an amino acid with highly similar properties. This amino acid position is conserved. In addition, the in silico prediction for this alteration is inconclusive. Based on the available evidence, the clinical significance of this variant remains unclear.

NM_001283009.2(RTEL1):c.3071A>G (p.Gln1024Arg)

Genes: RTEL1 (regulator of telomere elongation helicase 1; plus strand), RTEL1-TNFRSF6B (RTEL1-TNFRSF6B readthrough (NMD candidate); plus strand). Cytogenetic location: 20q13.33.
Variant type: single nucleotide variant.
Coding change: c.3071A>G on transcript NM_001283009.2 (MANE Select); coding-DNA position 3071, A replaced by G.
Protein change: p.Gln1024Arg; replaces glutamine 1024 with arginine.
Molecular consequence: missense variant. On other transcripts: non-coding transcript variant (1).
Genome position (GRCh38, 1-based): chr20:63,694,450, A>G. VCF-style: chr20-63694450-A-G. GRCh37 (hg19) VCF-style: chr20-62325803-A-G.
Other names: c.2402A>G, p.Gln801Arg (NM_001283010.1); c.3071A>G, p.Gln1024Arg (NM_016434.4); c.3143A>G, p.Gln1048Arg (NM_032957.5); short protein forms Q801R, Q1048R, Q1024R.
Identifiers: ClinVar variation 4629562 (VCV004629562.1).
Genomic context (GRCh38, chr20:63,694,450, plus strand): 5'-CCAAGCTGACCGTGTCCACGGCTGCAGCCCAGCAGCTGGACCCCCAAGAGCACCTGAACC[A>G]GGGCAGGCCCCACCTGTCGCCCAGGCCACCCCCAACAGGTAGCTGACTCCTGAACCGTGT-3'
Protein context (NP_001269938.1, residues 1014-1034): QQLDPQEHLN[Gln1024Arg]GRPHLSPRPP